The following is an entry in ClinVar:

NM_000548.5(TSC2):c.2073C>T (p.Arg691=)

Gene: TSC2 (TSC complex subunit 2; plus strand). Cytogenetic location: 16p13.3.
Variant type: single nucleotide variant.
Coding change: c.2073C>T on transcript NM_000548.5 (MANE Select); coding-DNA position 2073, C replaced by T.
Protein change: p.Arg691=; no amino-acid change (arginine 691 retained).
Molecular consequence: synonymous variant.
Genome position (GRCh38, 1-based): chr16:2,071,910, C>T. VCF-style: chr16-2071910-C-T. GRCh37 (hg19) VCF-style: chr16-2121911-C-T.
Other names: p.R691R:CGC>CGT; c.2073C>T (NM_000548.4); c.2073C>T, p.Arg691= (NM_001077183.3, NM_001114382.3, NM_001363528.2 and 3 more transcripts); c.1962C>T, p.Arg654= (NM_001318827.2); c.1926C>T, p.Arg642= (NM_001318829.2); c.1473C>T, p.Arg491= (NM_001318831.2); c.2106C>T, p.Arg702= (NM_001318832.2).
Identifiers: ClinVar variation 49716 (VCV000049716.67), dbSNP rs45512398, ClinGen allele CA016567.

ClinVar aggregate classification (germline): Benign/Likely benign. Review status: criteria provided, multiple submitters, no conflicts (2 of 4 stars). 18 submissions from 18 submitters: Benign (10); Likely benign (5). 3 of the submissions do not count toward it. Last evaluated 2026-08-01.

Conditions:
Tuberous sclerosis 2 (TSC2). Identifiers: Orphanet 805, MedGen C1860707, MONDO:0013199, OMIM 613254.
Lymphangiomyomatosis (LAM). Also called: Lymphangioleiomyomatosis; Lymphangioleiomyomatosis, somatic. Identifiers: Orphanet 538, MedGen C0751674, MONDO:0011705, OMIM 606690.
Isolated focal cortical dysplasia type II (FCORD2). Also called: Focal cortical dysplasia type II; CORTICAL DYSPLASIA OF TAYLOR. Identifiers: Orphanet 268994, MedGen C1846385, MONDO:0011818, OMIM 607341, HP:0032051.
Hereditary cancer-predisposing syndrome. Also called: Neoplastic Syndromes, Hereditary; Tumor predisposition; Hereditary Cancer Syndrome; Hereditary neoplastic syndrome. Identifiers: Orphanet 140162, MedGen C0027672, MeSH D009386, MONDO:0015356.
Tuberous sclerosis syndrome (TSC). Also called: Tuberous Sclerosis Complex; Tuberous sclerosis. Identifiers: Orphanet 805, MedGen C0041341, MONDO:0001734.

Allele frequency attached by ClinVar (database versions not stated): 1000 Genomes Project 30x 0.00031; 1000 Genomes Project 0.00040; gnomAD 0.00043 and 0.00048; ESP Exome Variant Server 0.00046; TOPMed 0.00050; gnomAD exomes 0.00093; ExAC 0.00177.
gnomAD v4.1: 721 of 1,592,702 alleles (0.045%); highest among the groups gnomAD compares: South Asian, 0.14%; 4 homozygotes.

Submissions (18):

CeGaT Center for Human Genetics Tuebingen
Classification: Likely benign. Last evaluated: 2026-08-01. Review status: criteria provided, single submitter. Criteria: CeGaT Center For Human Genetics Tuebingen Variant Classification Criteria Version 2. Collection method: clinical testing. Allele origin: germline. Affected: yes. Observed: 26 variant alleles.
Comment: TSC2: BP4, BP7, BS1

Labcorp Genetics (formerly Invitae), Labcorp
Classification: Benign for Tuberous sclerosis 2. Last evaluated: 2026-02-03. Review status: criteria provided, single submitter. Criteria: Invitae Variant Classification Sherloc (09022015). Collection method: clinical testing. Allele origin: germline.

Myriad Genetics, Inc.
Classification: Benign for Tuberous sclerosis 2. Last evaluated: 2025-05-16. Review status: criteria provided, single submitter. Criteria: Myriad Autosomal Dominant, Autosomal Recessive and X-Linked Classification Criteria (2023). Collection method: clinical testing. Allele origin: unknown.
Comment: This variant is considered benign. This variant is a silent/synonymous amino acid change and it is not expected to impact splicing.

Laboratory of Genetics, Children's Clinical University Hospital Latvia
Classification: Likely benign. Last evaluated: 2025-02-16. Review status: criteria provided, single submitter. Criteria: ACMG Guidelines, 2015. Collection method: clinical testing. Allele origin: germline. Affected: yes.

Department of Pathology and Laboratory Medicine, Sinai Health System
Classification: Likely benign for Lymphangiomyomatosis; Isolated focal cortical dysplasia type II; Tuberous sclerosis 2. Last evaluated: 2024-12-18. Review status: criteria provided, single submitter. Criteria: ACMG Guidelines, 2015. Collection method: clinical testing. Allele origin: germline.

Blueprint Genetics
Classification: Likely benign. Last evaluated: 2024-11-27. Review status: criteria provided, single submitter. Criteria: ACMG Guidelines, 2015. Collection method: clinical testing. Allele origin: germline.

All of Us Research Program, National Institutes of Health
Classification: Benign for Tuberous sclerosis syndrome. Last evaluated: 2024-02-05. Review status: criteria provided, single submitter. Criteria: ACMG Guidelines, 2015. Collection method: clinical testing. Allele origin: germline. Inheritance: Autosomal dominant inheritance. Observed: 180 variant alleles, 180 heterozygotes.
Comment: This study involves interpretation of variants in research participants for the purpose of population health screening. Participant phenotype was not available at the time of variant classification. Additional details can be found in publication PMID: 35346344, PMCID: PMC8962531

KCCC/NGS Laboratory, Kuwait Cancer Control Center
Classification: Benign for Tuberous sclerosis 2. Last evaluated: 2023-07-07. Review status: criteria provided, single submitter. Criteria: ACMG Guidelines, 2015. Collection method: clinical testing. Allele origin: germline. Affected: yes.

Quest Diagnostics Nichols Institute San Juan Capistrano
Classification: Benign. Last evaluated: 2022-10-06. Review status: criteria provided, single submitter. Criteria: Quest Diagnostics criteria. Collection method: clinical testing. Allele origin: unknown.

Color Diagnostics, LLC DBA Color Health
Classification: Benign for Tuberous sclerosis syndrome. Last evaluated: 2022-09-23. Review status: criteria provided, single submitter. Criteria: ACMG Guidelines, 2015. Collection method: clinical testing. Allele origin: germline.

Genome-Nilou Lab
Classification: Benign for Tuberous sclerosis 2. Last evaluated: 2021-11-07. Review status: criteria provided, single submitter. Criteria: ACMG Guidelines, 2015. Collection method: clinical testing. Allele origin: germline. Affected: no.

Sema4
Classification: Benign for Hereditary cancer-predisposing syndrome. Last evaluated: 2020-10-23. Review status: criteria provided, single submitter. Criteria: Sema4 Curation Guidelines. Collection method: curation. Allele origin: germline.

Illumina Laboratory Services, Illumina
Classification: Benign for Tuberous sclerosis syndrome. Last evaluated: 2018-01-12. Review status: criteria provided, single submitter. Criteria: ICSL Variant Classification Criteria 13 December 2019. Collection method: clinical testing. Allele origin: germline.
Comment: This variant was observed in the ICSL laboratory as part of a predisposition screen in an ostensibly healthy population. It had not been previously curated by ICSL or reported in the Human Gene Mutation Database (HGMD: prior to June 1st, 2018), and was therefore a candidate for classification through an automated scoring system. Utilizing variant allele frequency, disease prevalence and penetrance estimates, and inheritance mode, an automated score was calculated to assess if this variant is too frequent to cause the disease. Based on the score and internal cut-off values, a variant classified as benign is not then subjected to further curation. The score for this variant resulted in a classification of benign for this disease.

Ambry Genetics
Classification: Likely benign for Hereditary cancer-predisposing syndrome. Last evaluated: 2014-11-24. Review status: criteria provided, single submitter. Criteria: Ambry Variant Classification Scheme 2023. Collection method: clinical testing. Allele origin: germline.

GeneDx
Classification: Benign. Last evaluated: 2014-05-27. Review status: criteria provided, single submitter. Criteria: GeneDx Variant Classification (06012015). Collection method: clinical testing. Allele origin: germline. Affected: yes.
Comment: This variant is considered likely benign or benign based on one or more of the following criteria: it is a conservative change, it occurs at a poorly conserved position in the protein, it is predicted to be benign by multiple in silico algorithms, and/or has population frequency not consistent with disease.

Clinical Genetics DNA and cytogenetics Diagnostics Lab, Erasmus MC, Erasmus Medical Center
Classification: Benign. Review status: no assertion criteria provided. Collection method: clinical testing. Allele origin: germline. Affected: yes. Study: VKGL Data-share Consensus. Not counted in ClinVar's aggregate classification.

Clinical Genetics, Academic Medical Center
Classification: Benign. Review status: no assertion criteria provided. Collection method: clinical testing. Allele origin: germline. Affected: yes. Study: VKGL Data-share Consensus. Not counted in ClinVar's aggregate classification.

Tuberous sclerosis database (TSC2)
No classification provided. Condition: TSC. Review status: no classification provided. Criteria: Tuberous Sclerosis Database Assertion Criteria 2015. Collection method: curation. Allele origin: germline. Affected: yes. Not counted in ClinVar's aggregate classification.

Literature cited by the submitters: PubMed 22558107 (cited by Quest Diagnostics Nichols Institute San Juan Capistrano).